The following is an entry in ClinVar:

NM_001127222.2(CACNA1A):c.6189+10_6189+65del

Gene: CACNA1A (calcium voltage-gated channel subunit alpha1 A; minus strand). Cytogenetic location: 19p13.13.
Variant type: Deletion.
Coding change: c.6189+10_6189+65del on transcript NM_001127222.2 (MANE Select); bases 10 to 65 of the intron after coding-DNA position 6189, 56 bases deleted.
Molecular consequence: intron variant.
Genome position (GRCh38, 1-based): chr19:13,212,319-13,212,374, 56 bases deleted. GRCh37 (hg19): chr19:13,323,137-13,323,192.
Other names: c.6192+10_6192+65del (NM_001127221.2); c.6198+10_6198+65del (NM_001174080.2); c.6207+10_6207+65del (NM_000068.4, NM_023035.3).
Identifiers: ClinVar variation 2927112 (VCV002927112.3), dbSNP rs2512535155, ClinGen allele CA993704737.

ClinVar aggregate classification (germline): Uncertain significance (1 of 4 stars; one submission).

Conditions:
Developmental and epileptic encephalopathy, 42 (DEE42A). Also called: DEVELOPMENTAL AND EPILEPTIC ENCEPHALOPATHY 42A; EPILEPTIC ENCEPHALOPATHY, EARLY INFANTILE, 42A; Epileptic encephalopathy, early infantile, 42. Identifiers: MedGen C4310716, MONDO:0014917, OMIM 617106.
Episodic ataxia type 2 (EA2). Also called: ACETAZOLAMIDE-RESPONSIVE HEREDITARY PAROXYSMAL CEREBELLAR ATAXIA; ATAXIA, EPISODIC, WITH NYSTAGMUS; ATAXIA, FAMILIAL PAROXYSMAL; CEREBELLAR ATAXIA, PAROXYSMAL, ACETAZOLAMIDE-RESPONSIVE; CEREBELLOPATHY, HEREDITARY PAROXYSMAL; EPISODIC ATAXIA, NYSTAGMUS-ASSOCIATED. Identifiers: Orphanet 97, MedGen C1720416, MONDO:0007163, OMIM 108500.

Submission:

Labcorp Genetics (formerly Invitae), Labcorp
Classification: Uncertain significance for Developmental and epileptic encephalopathy, 42; Episodic ataxia type 2. Last evaluated: 2024-06-03. Review status: criteria provided, single submitter. Criteria: Invitae Variant Classification Sherloc (09022015). Collection method: clinical testing. Allele origin: germline.
Comment: This sequence change falls in intron 42 of the CACNA1A gene. It does not directly change the encoded amino acid sequence of the CACNA1A protein. This variant is not present in population databases (gnomAD no frequency). This variant has not been reported in the literature in individuals affected with CACNA1A-related conditions. Experimental studies and prediction algorithms are not available or were not evaluated, and the functional significance of this variant is currently unknown. In summary, the available evidence is currently insufficient to determine the role of this variant in disease. Therefore, it has been classified as a Variant of Uncertain Significance.